The following is an entry in ClinVar:

ClinVar aggregate classification (germline): Uncertain significance. Review status: criteria provided, multiple submitters, no conflicts (2 of 4 stars). 2 submissions from 2 submitters: Uncertain significance (2). Last evaluated 2019-09-11.

Conditions:
Lynch syndrome 4 (LYNCH4). Also called: Hereditary non-polyposis colorectal cancer, type 4; Colorectal cancer, hereditary nonpolyposis, type 4. Identifiers: Orphanet 144, MedGen C1838333, MONDO:0013699, OMIM 614337. Disease mechanism: loss of function.
Hereditary nonpolyposis colorectal neoplasms. Identifiers: MedGen C0009405, MeSH D003123.

Submissions (2):

Labcorp Genetics (formerly Invitae), Labcorp
Classification: Uncertain significance for Hereditary nonpolyposis colorectal neoplasms. Last evaluated: 2019-09-11. Review status: criteria provided, single submitter. Criteria: Invitae Variant Classification Sherloc (09022015). Collection method: clinical testing. Allele origin: germline.
Comment: Algorithms developed to predict the effect of missense changes on protein structure and function (SIFT, PolyPhen-2, Align-GVGD) all suggest that this variant is likely to be tolerated, but these predictions have not been confirmed by published functional studies and their clinical significance is uncertain. In summary, the available evidence is currently insufficient to determine the role of this variant in disease. Therefore, it has been classified as a Variant of Uncertain Significance. This variant has not been reported in the literature in individuals with PMS2-related conditions. This variant is not present in population databases (ExAC no frequency). This sequence change replaces serine with arginine at codon 587 of the PMS2 protein (p.Ser587Arg). The serine residue is weakly conserved and there is a moderate physicochemical difference between serine and arginine.

Mendelics
Classification: Uncertain significance for Lynch syndrome 4. Last evaluated: 2019-05-28. Review status: criteria provided, single submitter. Criteria: Mendelics Assertion Criteria 2017. Collection method: clinical testing. Allele origin: unknown.

NM_000535.7(PMS2):c.1759A>C (p.Ser587Arg)

Gene: PMS2 (PMS1 homolog 2, mismatch repair system component; minus strand). Cytogenetic location: 7p22.1.
Variant type: single nucleotide variant.
Coding change: c.1759A>C on transcript NM_000535.7 (MANE Select); coding-DNA position 1759, A replaced by C.
Protein change: p.Ser587Arg; replaces serine 587 with arginine.
Molecular consequence: missense variant. On other transcripts: non-coding transcript variant (1).
Genome position (GRCh38, 1-based): chr7:5,987,006, T>G on the plus strand (A>C on the coding strand, the complement: PMS2 is on the minus strand). VCF-style: chr7-5987006-T-G. GRCh37 (hg19) VCF-style: chr7-6026637-T-G.
Other names: c.1354A>C, p.Ser452Arg (NM_001322003.2, NM_001322004.2, NM_001322005.2 and 1 more transcripts); c.1603A>C, p.Ser535Arg (NM_001322006.2); c.1441A>C, p.Ser481Arg (NM_001322007.2, NM_001322008.2); c.1198A>C, p.Ser400Arg (NM_001322010.2); c.826A>C, p.Ser276Arg (NM_001322011.2, NM_001322012.2); c.1186A>C, p.Ser396Arg (NM_001322013.2); c.1759A>C, p.Ser587Arg (NM_001322014.2); c.1450A>C, p.Ser484Arg (NM_001322015.2); short protein forms S396R, S484R, S400R, S452R, S481R, S587R, S535R, S276R.
Identifiers: ClinVar variation 802290 (VCV000802290.11), dbSNP rs1554297277, ClinGen allele CA366739999.